The following is an entry in ClinVar:

NM_000488.4(SERPINC1):c.1154G>A (p.Gly385Asp)

Gene: SERPINC1 (serpin family C member 1; minus strand). Cytogenetic location: 1q25.1.
Variant type: single nucleotide variant.
Coding change: c.1154G>A on transcript NM_000488.4 (MANE Select); coding-DNA position 1154, G replaced by A.
Protein change: p.Gly385Asp; replaces glycine 385 with aspartic acid.
Molecular consequence: missense variant.
Genome position (GRCh38, 1-based): chr1:173,907,514, C>T on the plus strand (G>A on the coding strand, the complement: SERPINC1 is on the minus strand). VCF-style: chr1-173907514-C-T. GRCh37 (hg19) VCF-style: chr1-173876652-C-T.
Other names: c.1010G>A, p.Gly337Asp (NM_001365052.2); c.1277G>A, p.Gly426Asp (NM_001386302.1); c.1235G>A, p.Gly412Asp (NM_001386303.1); c.1133G>A, p.Gly378Asp (NM_001386304.1); c.1097G>A, p.Gly366Asp (NM_001386305.1); c.938G>A, p.Gly313Asp (NM_001386306.1); short protein forms G385D, G337D, G313D, G366D, G378D, G412D, G426D.
Identifiers: ClinVar variation 237848 (VCV000237848.5), dbSNP rs878854018, ClinGen allele CA10581756.
Genomic context (GRCh38, chr1:173,907,514, plus strand): 5'-AGAAATGCCTTATGGAATGCATCTGAGACATAGAGGTCATCTCGGCCTTCTGCAACAATA[C>T]CTGGAAGGAAGACCGGAGAAGTCTTTGTGAGATGGGAGAAAGTTGGCTTCAACCCACAGA-3'
Protein context (NP_000479.1, residues 375-395): LFSPEKSKLP[Gly385Asp]IVAEGRDDLY

ClinVar aggregate classification (germline): Uncertain significance (1 of 4 stars; one submission).

Conditions:
Hereditary antithrombin deficiency (AT3D). Also called: Antithrombin III deficiency; Thrombophilia due to antithrombin III deficiency; Antithrombin deficiency; Reduced antithrombin III activity. Identifiers: Orphanet 82, MedGen C0272375, MONDO:0013144, OMIM 613118, HP:0001976.

Submission:

Labcorp Genetics (formerly Invitae), Labcorp
Classification: Uncertain significance for Hereditary antithrombin deficiency. Last evaluated: 2015-11-27. Review status: criteria provided, single submitter. Criteria: Invitae Variant Classification Sherloc (09022015). Collection method: clinical testing. Allele origin: germline.
Comment: In summary, this is a novel missense change with uncertain impact on protein function. It has been classified as a Variant of Uncertain Significance. Algorithms developed to predict the effect of sequence changes on mRNA splicing suggest that this variant does not alter mRNA splicing, but this prediction has not been confirmed by published transcriptional studies. Algorithms developed to predict the effect of missense changes on protein structure and function do not agree on the potential impact of this missense change (SIFT: "Tolerated"; PolyPhen-2: "Possibly Damaging"; Align-GVGD: "Class C0"). This variant is not present in population databases (ExAC no frequency) and has not been reported in the literature. This sequence change replaces glycine with aspartic acid at codon 385 of the SERPINC1 protein (p.Gly385Asp). The glycine residue is highly conserved and there is a moderate physicochemical difference between glycine and aspartic acid. It also falls at the first nucleotide of exon 6 of the SERPINC1 coding sequence.